The following is an entry in ClinVar:

NM_005245.4(FAT1):c.12421C>G (p.Leu4141Val)

Gene: FAT1 (FAT atypical cadherin 1; minus strand). Cytogenetic location: 4q35.2.
Variant type: single nucleotide variant.
Coding change: c.12421C>G on transcript NM_005245.4 (MANE Select); coding-DNA position 12421, C replaced by G.
Protein change: p.Leu4141Val; replaces leucine 4141 with valine.
Molecular consequence: missense variant.
Genome position (GRCh38, 1-based): chr4:186,597,119, G>C on the plus strand (C>G on the coding strand, the complement: FAT1 is on the minus strand). VCF-style: chr4-186597119-G-C. GRCh37 (hg19) VCF-style: chr4-187518273-G-C.
Other names: short protein forms L4141V.
Identifiers: ClinVar variation 1706973 (VCV001706973.7), dbSNP rs375994752, ClinGen allele CA3164817.

ClinVar aggregate classification (germline): Conflicting classifications of pathogenicity. Review status: criteria provided, conflicting classifications (1 of 4 stars). 4 submissions from 4 submitters: Uncertain significance (2); Likely benign (2). Last evaluated 2026-01-06.

Conditions:
FAT1-related disorder. Also called: FAT1-related condition.
Inborn genetic diseases. Identifiers: MedGen C0950123, MeSH D030342.

Allele frequency attached by ClinVar (database versions not stated): ExAC 0.00019; 1000 Genomes Project 30x 0.00031; ESP Exome Variant Server 0.00032; 1000 Genomes Project 0.00040; gnomAD 0.00066; TOPMed 0.00075.
gnomAD v4.1: 177 of 1,613,896 alleles (0.011%); highest among the groups gnomAD compares: African/African-American, 0.22%; no homozygotes.

Submissions (4):

Labcorp Genetics (formerly Invitae), Labcorp
Classification: Likely benign. Last evaluated: 2026-01-06. Review status: criteria provided, single submitter. Criteria: Invitae Variant Classification Sherloc (09022015). Collection method: clinical testing. Allele origin: germline.

PreventionGenetics, part of Exact Sciences
Classification: Likely benign for FAT1-related condition. Last evaluated: 2025-06-18. Review status: criteria provided, single submitter. Criteria: ACMG Guidelines, 2015. Collection method: clinical testing. Allele origin: germline.
Comment: This variant is classified as likely benign based on ACMG/AMP sequence variant interpretation guidelines (Richards et al. 2015 PMID: 25741868, with internal and published modifications).

Ambry Genetics
Classification: Uncertain significance for Inborn genetic diseases. Last evaluated: 2024-11-08. Review status: criteria provided, single submitter. Criteria: Ambry Variant Classification Scheme 2023. Collection method: clinical testing. Allele origin: germline.

GeneDx
Classification: Uncertain significance. Last evaluated: 2022-03-21. Review status: criteria provided, single submitter. Criteria: GeneDx Variant Classification Process June 2021. Collection method: clinical testing. Allele origin: germline. Affected: yes.
Comment: In silico analysis supports that this missense variant does not alter protein structure/function; Has not been previously published as pathogenic or benign to our knowledge